The following is an entry in ClinVar:

ClinVar aggregate classification (germline): Uncertain significance (1 of 4 stars; one submission).

Conditions:
Catecholaminergic polymorphic ventricular tachycardia (CVPT). Also called: Catecholamine-induced polymorphic ventricular tachycardia. Identifiers: Orphanet 3286, MedGen C5574922, MONDO:0017990.

Allele frequency attached by ClinVar (database versions not stated): gnomAD 0.00001.
gnomAD v4.1: 1 of 1,613,914 alleles (0.000062%); highest among the groups gnomAD compares: Non-Finnish European, 0.000085%; no homozygotes.

Submission:

All of Us Research Program, National Institutes of Health
Classification: Uncertain significance for Catecholaminergic polymorphic ventricular tachycardia. Last evaluated: 2023-08-15. Review status: criteria provided, single submitter. Criteria: ACMG Guidelines, 2015. Collection method: clinical testing. Allele origin: germline. Inheritance: Autosomal dominant inheritance. Observed: 2 variant alleles, 2 heterozygotes.
Comment: This missense variant replaces tyrosine with cysteine at codon 1714 of the RYR2 protein. Computational prediction is inconclusive regarding the impact of this variant on protein structure and function (internally defined REVEL score threshold 0.5 < inconclusive < 0.7, PMID: 27666373). To our knowledge, functional studies have not been reported for this variant. This variant has not been reported in individuals affected with RYR2-related disorders in the literature. This variant has not been identified in the general population by the Genome Aggregation Database (gnomAD). The available evidence is insufficient to determine the role of this variant in disease conclusively. Therefore, this variant is classified as a Variant of Uncertain Significance.

This study involves interpretation of variants in research participants for the purpose of population health screening. Participant phenotype was not available at the time of variant classification. Additional details can be found in publication PMID: 35346344, PMCID: PMC8962531

NM_001035.3(RYR2):c.5141A>G (p.Tyr1714Cys)

Gene: RYR2 (ryanodine receptor 2; plus strand). Cytogenetic location: 1q43.
Variant type: single nucleotide variant.
Coding change: c.5141A>G on transcript NM_001035.3 (MANE Select); coding-DNA position 5141, A replaced by G.
Protein change: p.Tyr1714Cys; replaces tyrosine 1714 with cysteine.
Molecular consequence: missense variant.
Genome position (GRCh38, 1-based): chr1:237,614,269, A>G. VCF-style: chr1-237614269-A-G. GRCh37 (hg19) VCF-style: chr1-237777569-A-G.
Other names: short protein forms Y1714C.
Identifiers: ClinVar variation 3070202 (VCV003070202.1), dbSNP rs1377623599, ClinGen allele CA345404106.